The following is an entry in ClinVar:

NM_015213.4(DENND5A):c.956A>C (p.Gln319Pro)

Gene: DENND5A (DENN domain containing 5A; minus strand). Cytogenetic location: 11p15.4.
Variant type: single nucleotide variant.
Coding change: c.956A>C on transcript NM_015213.4 (MANE Select); coding-DNA position 956, A replaced by C.
Protein change: p.Gln319Pro; replaces glutamine 319 with proline.
Molecular consequence: missense variant. On other transcripts: non-coding transcript variant (1).
Genome position (GRCh38, 1-based): chr11:9,193,675, T>G on the plus strand (A>C on the coding strand, the complement: DENND5A is on the minus strand). VCF-style: chr11-9193675-T-G. GRCh37 (hg19) VCF-style: chr11-9215222-T-G.
Other names: c.956A>C, p.Gln319Pro (NM_001243254.2, NM_001348748.1); c.884A>C, p.Gln295Pro (NM_001348749.2); c.668A>C, p.Gln223Pro (NM_001348750.2); short protein forms Q223P, Q295P, Q319P.
Identifiers: ClinVar variation 2124876 (VCV002124876.4), dbSNP rs2493875328, ClinGen allele CA379595118.

ClinVar aggregate classification (germline): Uncertain significance (1 of 4 stars; one submission).

Allele frequency attached by ClinVar (database versions not stated): gnomAD exomes below 0.00001.
gnomAD v4.1: 1 of 1,606,268 alleles (0.000062%); highest among the groups gnomAD compares: Non-Finnish European, 0.000085%; no homozygotes.

Submission:

Labcorp Genetics (formerly Invitae), Labcorp
Classification: Uncertain significance. Last evaluated: 2022-04-11. Review status: criteria provided, single submitter. Criteria: Invitae Variant Classification Sherloc (09022015). Collection method: clinical testing. Allele origin: germline.
Comment: In summary, the available evidence is currently insufficient to determine the role of this variant in disease. Therefore, it has been classified as a Variant of Uncertain Significance. Algorithms developed to predict the effect of missense changes on protein structure and function are either unavailable or do not agree on the potential impact of this missense change (SIFT: "Deleterious"; PolyPhen-2: "Probably Damaging"; Align-GVGD: "Class C0"). This variant has not been reported in the literature in individuals affected with DENND5A-related conditions. This variant is not present in population databases (gnomAD no frequency). This sequence change replaces glutamine, which is neutral and polar, with proline, which is neutral and non-polar, at codon 319 of the DENND5A protein (p.Gln319Pro).